The following is an entry in ClinVar:

NM_176787.5(PIGN):c.1593C>A (p.Asp531Glu)

Gene: PIGN (phosphatidylinositol glycan anchor biosynthesis class N; minus strand). Cytogenetic location: 18q21.33.
Variant type: single nucleotide variant.
Coding change: c.1593C>A on transcript NM_176787.5 (MANE Select); coding-DNA position 1593, C replaced by A.
Protein change: p.Asp531Glu; replaces aspartic acid 531 with glutamic acid.
Molecular consequence: missense variant.
Genome position (GRCh38, 1-based): chr18:62,107,067, G>T on the plus strand (C>A on the coding strand, the complement: PIGN is on the minus strand). VCF-style: chr18-62107067-G-T. GRCh37 (hg19) VCF-style: chr18-59774300-G-T.
Other names: c.1593C>A, p.Asp531Glu (NM_012327.6); short protein forms D531E.
Identifiers: ClinVar variation 850381 (VCV000850381.7), dbSNP rs768522173, ClinGen allele CA8982240.

ClinVar aggregate classification (germline): Uncertain significance (1 of 4 stars; one submission).

Conditions:
Multiple congenital anomalies-hypotonia-seizures syndrome 1 (MCAHS1). Also called: PIGN-CDG; Congenital disorder of glycosylation due to PIGN deficiency; GLYCOSYLPHOSPHATIDYLINOSITOL BIOSYNTHESIS DEFECT 3. Identifiers: Orphanet 280633, MedGen C3279775, MONDO:0013563, OMIM 614080.

Allele frequency attached by ClinVar (database versions not stated): gnomAD exomes 0.00002; TOPMed 0.00002; ExAC 0.00003.
gnomAD v4.1: 34 of 1,581,138 alleles (0.0022%); highest among the groups gnomAD compares: Non-Finnish European, 0.0029%; no homozygotes.

Submission:

Labcorp Genetics (formerly Invitae), Labcorp
Classification: Uncertain significance for Multiple congenital anomalies-hypotonia-seizures syndrome 1. Last evaluated: 2021-09-02. Review status: criteria provided, single submitter. Criteria: Invitae Variant Classification Sherloc (09022015). Collection method: clinical testing. Allele origin: germline.
Comment: This sequence change replaces aspartic acid with glutamic acid at codon 531 of the PIGN protein (p.Asp531Glu). The aspartic acid residue is moderately conserved and there is a small physicochemical difference between aspartic acid and glutamic acid. This variant is present in population databases (rs768522173, ExAC 0.005%). This variant has not been reported in the literature in individuals affected with PIGN-related conditions. Algorithms developed to predict the effect of missense changes on protein structure and function (SIFT, PolyPhen-2, Align-GVGD) all suggest that this variant is likely to be tolerated. In summary, the available evidence is currently insufficient to determine the role of this variant in disease. Therefore, it has been classified as a Variant of Uncertain Significance.